The following is an entry in ClinVar:

NM_005475.3(SH2B3):c.50C>T (p.Ala17Val)

Gene: SH2B3 (SH2B adaptor protein 3; plus strand). Cytogenetic location: 12q24.12.
Variant type: single nucleotide variant.
Coding change: c.50C>T on transcript NM_005475.3 (MANE Select); coding-DNA position 50, C replaced by T.
Protein change: p.Ala17Val; replaces alanine 17 with valine.
Molecular consequence: missense variant.
Genome position (GRCh38, 1-based): chr12:111,418,195, C>T. VCF-style: chr12-111418195-C-T. GRCh37 (hg19) VCF-style: chr12-111855999-C-T.
Other names: short protein forms A17V.
Identifiers: ClinVar variation 5029484 (VCV005029484.1).

ClinVar aggregate classification (germline): Uncertain significance (1 of 4 stars; one submission).

Conditions:
Inborn genetic diseases. Identifiers: MedGen C0950123, MeSH D030342.

gnomAD v4.1: 7 of 1,572,634 alleles (0.00045%); highest among the groups gnomAD compares: South Asian, 0.0046%; no homozygotes.

Submission:

Ambry Genetics
Classification: Uncertain significance for Inborn genetic diseases. Last evaluated: 2026-07-25. Review status: criteria provided, single submitter. Criteria: Ambry Variant Classification Scheme 2023. Collection method: clinical testing. Allele origin: germline.
Comment: The p.A17V variant (also known as c.50C>T), located in coding exon 1 of the SH2B3 gene, results from a C to T substitution at nucleotide position 50. The alanine at codon 17 is replaced by valine, an amino acid with similar properties. This amino acid position is conserved. In addition, this alteration is predicted to be tolerated by in silico analysis. Based on the available evidence, the clinical significance of this variant remains unclear.